The following is an entry in ClinVar:

ClinVar aggregate classification (germline): Pathogenic (1 of 4 stars; one submission).

Conditions:
Fabry disease. Also called: ALPHA-GALACTOSIDASE A DEFICIENCY; ANDERSON-FABRY DISEASE; CERAMIDE TRIHEXOSIDASE DEFICIENCY; GLA DEFICIENCY; HEREDITARY DYSTOPIC LIPIDOSIS; Angiokeratoma corporis diffusum. Identifiers: Orphanet 324, MedGen C0002986, MONDO:0010526, OMIM 301500, HP:0001071. Disease mechanism: Fabry disease is due to inactivating mutations in the X-linked GLA gene resulting in deficiency of the enzyme Alpha Galactosidase-A., loss of function.

Submission:

Genomenon, Inc
Classification: Pathogenic for Fabry disease. Last evaluated: 2026-09-08. Review status: criteria provided, single submitter. Criteria: Genomenon Sequence Variant Interpretation Standards - Updated. Collection method: curation. Allele origin: germline. Affected: yes.
Comment: GLA p.Leu36Phe (c.108G>T) is a missense variant that changes the amino acid at codon 36 from Leucine to Phenylalanine. This variant has been observed in at least one proband with clinical features consistent with Fabry disease (PMID:17713670). A de novo occurrence of this variant has been observed in at least one affected individual (PMID:17713670). At least one functional study has demonstrated a substantial alteration in protein function relative to the wild-type (PMID:27657681). It is absent or not present at a significant frequency in gnomAD. In silico models predict that this variant is possibly or probably damaging. In conclusion, we classify GLA p.Leu36Phe (c.108G>T) as a pathogenic variant.

Literature cited by the submitters: PubMed 17713670; PubMed 27657681.

NM_000169.3(GLA):c.108G>T (p.Leu36Phe)

Genes: GLA (galactosidase alpha; minus strand), RPL36A-HNRNPH2 (RPL36A-HNRNPH2 readthrough; plus strand). Cytogenetic location: Xq22.1.
Variant type: single nucleotide variant.
Coding change: c.108G>T on transcript NM_000169.3 (MANE Select); coding-DNA position 108, G replaced by T.
Protein change: p.Leu36Phe; replaces leucine 36 with phenylalanine.
Molecular consequence: missense variant. On other transcripts: non-coding transcript variant (3), intron variant (2).
Genome position (GRCh38, 1-based): chrX:101,407,796, C>A on the plus strand (G>T on the coding strand, the complement: GLA is on the minus strand). VCF-style: chrX-101407796-C-A. GRCh37 (hg19) VCF-style: chrX-100662784-C-A.
Other names: c.108G>T, p.Leu36Phe (NM_001406747.1, NM_001406748.1, NM_001406749.1); c.301-4140C>A (NM_001199973.2); c.178-4140C>A (NM_001199974.2); short protein forms L36F.
Identifiers: ClinVar variation 4087504 (VCV004087504.2).